The following is an entry in ClinVar:

NM_003238.6(TGFB2):c.301A>T (p.Lys101Ter)

Gene: TGFB2 (transforming growth factor beta 2; plus strand). Cytogenetic location: 1q41.
Variant type: single nucleotide variant.
Coding change: c.301A>T on transcript NM_003238.6 (MANE Select); coding-DNA position 301, A replaced by T.
Protein change: p.Lys101Ter; replaces lysine 101 with a stop codon.
Molecular consequence: nonsense. On other transcripts: non-coding transcript variant (2).
Genome position (GRCh38, 1-based): chr1:218,347,002, A>T. VCF-style: chr1-218347002-A-T. GRCh37 (hg19) VCF-style: chr1-218520344-A-T.
Other names: c.301A>T, p.Lys101Ter (NM_001135599.4); short protein forms K101*.
Identifiers: ClinVar variation 2846615 (VCV002846615.3), dbSNP rs766401610, ClinGen allele CA344725729.

ClinVar aggregate classification (germline): Pathogenic (1 of 4 stars; one submission).

Conditions:
Loeys-Dietz syndrome 4 (LDS4). Also called: ANEURYSM, AORTIC AND CEREBRAL, WITH ARTERIAL TORTUOSITY AND SKELETAL MANIFESTATIONS; TGFB2-Related Loeys-Dietz Syndrome. Identifiers: MedGen C3553762, MONDO:0013897, OMIM 614816.

Submission:

Labcorp Genetics (formerly Invitae), Labcorp
Classification: Pathogenic for Loeys-Dietz syndrome 4. Last evaluated: 2023-03-17. Review status: criteria provided, single submitter. Criteria: Invitae Variant Classification Sherloc (09022015). Collection method: clinical testing. Allele origin: germline.
Comment: This sequence change creates a premature translational stop signal (p.Lys101*) in the TGFB2 gene. It is expected to result in an absent or disrupted protein product. Loss-of-function variants in TGFB2 are known to be pathogenic (PMID: 22772368, 22772371, 30739908). This variant is not present in population databases (gnomAD no frequency). This variant has not been reported in the literature in individuals affected with TGFB2-related conditions. For these reasons, this variant has been classified as Pathogenic.

Literature cited by the submitters: PubMed 22772368; PubMed 22772371; PubMed 30739908.